The following is an entry in ClinVar:

ClinVar aggregate classification (germline): Uncertain significance (1 of 4 stars; one submission).

Allele frequency attached by ClinVar (database versions not stated): gnomAD exomes below 0.00001.
gnomAD v4.1: 2 of 1,610,800 alleles (0.00012%); highest among the groups gnomAD compares: Non-Finnish European, 0.000085%; no homozygotes.

Submission:

GeneDx
Classification: Uncertain significance. Last evaluated: 2017-06-20. Review status: criteria provided, single submitter. Criteria: GeneDx Variant Classification (06012015). Collection method: clinical testing. Allele origin: germline. Affected: yes.
Comment: The W435X variant in the ABCC9 gene has not been reported as a pathogenic or benign to our knowledge. This variant is not observed in large population cohorts (Lek et al., 2016; 1000 Genomes Consortium et al., 2015; Exome Variant Server). The W435X variant is predicted to cause loss of normal protein function either by protein truncation or nonsense-mediated mRNA decay. However, the vast majority of reported pathogenic variants in the ABCC9 gene are missense changes (Stenson et al., 2014), indicating that haploinsufficiency of ABCC9 may not be sufficient to cause disease.

NM_020297.4(ABCC9):c.1305G>A (p.Trp435Ter)

Gene: ABCC9 (ATP binding cassette subfamily C member 9; minus strand). Cytogenetic location: 12p12.1.
Variant type: single nucleotide variant.
Coding change: c.1305G>A on transcript NM_020297.4 (MANE Select); coding-DNA position 1305, G replaced by A.
Protein change: p.Trp435Ter; replaces tryptophan 435 with a stop codon.
Molecular consequence: nonsense.
Genome position (GRCh38, 1-based): chr12:21,910,172, C>T on the plus strand (G>A on the coding strand, the complement: ABCC9 is on the minus strand). VCF-style: chr12-21910172-C-T. GRCh37 (hg19) VCF-style: chr12-22063106-C-T.
Other names: c.1305G>A, p.Trp435Ter (NM_001377273.1, NM_005691.4); c.441G>A, p.Trp147Ter (NM_001377274.1); short protein forms W435*, W147*.
Identifiers: ClinVar variation 432836 (VCV000432836.2), dbSNP rs1555113677, ClinGen allele CA384117717.
Genomic context (GRCh38, chr12:21,910,172, plus strand): 5'-TATTTCCTCTGCAGACAAAAATCTTACTTATATTTATCTACCTACCTGAACAGGCATAGC[C>T]CATAGATTGGGACACAGGAACAAAAACCACATGAGTTGATTAGTTTCAATGGCGACTAAG-3'